The following is an entry in ClinVar:

NM_020937.4(FANCM):c.3598A>G (p.Ser1200Gly)

Gene: FANCM (FA complementation group M; plus strand). Cytogenetic location: 14q21.2.
Variant type: single nucleotide variant.
Coding change: c.3598A>G on transcript NM_020937.4 (MANE Select); coding-DNA position 3598, A replaced by G.
Protein change: p.Ser1200Gly; replaces serine 1200 with glycine.
Molecular consequence: missense variant.
Genome position (GRCh38, 1-based): chr14:45,176,352, A>G. VCF-style: chr14-45176352-A-G. GRCh37 (hg19) VCF-style: chr14-45645555-A-G.
Other names: c.3520A>G, p.Ser1174Gly (NM_001308133.2); short protein forms S1200G, S1174G.
Identifiers: ClinVar variation 4022728 (VCV004022728.1).

ClinVar aggregate classification (germline): Uncertain significance (1 of 4 stars; one submission).

Conditions:
Inborn genetic diseases. Identifiers: MedGen C0950123, MeSH D030342.

gnomAD v4.1: 1 of 1,613,678 alleles (0.000062%); highest among the groups gnomAD compares: Admixed American, 0.0017%; no homozygotes.

Submission:

Ambry Genetics
Classification: Uncertain significance for Inborn genetic diseases. Last evaluated: 2025-04-25. Review status: criteria provided, single submitter. Criteria: Ambry Variant Classification Scheme 2023. Collection method: clinical testing. Allele origin: germline.
Comment: The p.S1200G variant (also known as c.3598A>G), located in coding exon 14 of the FANCM gene, results from an A to G substitution at nucleotide position 3598. The serine at codon 1200 is replaced by glycine, an amino acid with similar properties. This amino acid position is conserved. In addition, this alteration is predicted to be tolerated by in silico analysis. Based on the available evidence, the clinical significance of this variant remains unclear.